The following is an entry in ClinVar:

ClinVar aggregate classification (germline): Uncertain significance (1 of 4 stars; one submission).

Allele frequency attached by ClinVar (database versions not stated): TOPMed 0.00001; gnomAD 0.00002.
gnomAD v4.1: 8 of 1,614,064 alleles (0.0005%); highest among the groups gnomAD compares: Non-Finnish European, 0.00068%; no homozygotes.

Submission:

Labcorp Genetics (formerly Invitae), Labcorp
Classification: Uncertain significance. Last evaluated: 2024-10-17. Review status: criteria provided, single submitter. Criteria: Invitae Variant Classification Sherloc (09022015). Collection method: clinical testing. Allele origin: germline.
Comment: This sequence change replaces valine, which is neutral and non-polar, with isoleucine, which is neutral and non-polar, at codon 234 of the VLDLR protein (p.Val234Ile). This variant is not present in population databases (gnomAD no frequency). This variant has not been reported in the literature in individuals affected with VLDLR-related conditions. ClinVar contains an entry for this variant (Variation ID: 2178139). An algorithm developed to predict the effect of missense changes on protein structure and function (PolyPhen-2) suggests that this variant is likely to be tolerated. In summary, the available evidence is currently insufficient to determine the role of this variant in disease. Therefore, it has been classified as a Variant of Uncertain Significance.

NM_003383.5(VLDLR):c.700G>A (p.Val234Ile)

Gene: VLDLR (very low density lipoprotein receptor; plus strand). Cytogenetic location: 9p24.2.
Variant type: single nucleotide variant.
Coding change: c.700G>A on transcript NM_003383.5 (MANE Select); coding-DNA position 700, G replaced by A.
Protein change: p.Val234Ile; replaces valine 234 with isoleucine.
Molecular consequence: missense variant.
Genome position (GRCh38, 1-based): chr9:2,643,411, G>A. VCF-style: chr9-2643411-G-A. GRCh37 (hg19) VCF-style: chr9-2643411-G-A.
Other names: c.700G>A, p.Val234Ile (NM_001018056.3); c.577G>A, p.Val193Ile (NM_001322225.2, NM_001322226.2); short protein forms V234I, V193I.
Identifiers: ClinVar variation 2178139 (VCV002178139.4), dbSNP rs1445309214, ClinGen allele CA372791517.